The following is an entry in ClinVar:

ClinVar aggregate classification (germline): Uncertain significance (1 of 4 stars; one submission).

Conditions:
Perlman syndrome (PRLMNS). Identifiers: Orphanet 2849, MedGen C0796113, MONDO:0009965, OMIM 267000.

gnomAD v4.1: 2 of 1,611,108 alleles (0.00012%); highest among the groups gnomAD compares: Non-Finnish European, 0.00017%; no homozygotes.

Submission:

Labcorp Genetics (formerly Invitae), Labcorp
Classification: Uncertain significance for Perlman syndrome. Last evaluated: 2022-10-13. Review status: criteria provided, single submitter. Criteria: Invitae Variant Classification Sherloc (09022015). Collection method: clinical testing. Allele origin: germline.
Comment: In summary, the available evidence is currently insufficient to determine the role of this variant in disease. Therefore, it has been classified as a Variant of Uncertain Significance. Advanced modeling of protein sequence and biophysical properties (such as structural, functional, and spatial information, amino acid conservation, physicochemical variation, residue mobility, and thermodynamic stability) performed at Invitae indicates that this missense variant is not expected to disrupt DIS3L2 protein function. ClinVar contains an entry for this variant (Variation ID: 1481837). This variant has not been reported in the literature in individuals affected with DIS3L2-related conditions. This variant is not present in population databases (gnomAD no frequency). This sequence change replaces leucine, which is neutral and non-polar, with valine, which is neutral and non-polar, at codon 673 of the DIS3L2 protein (p.Leu673Val).

NM_152383.5(DIS3L2):c.2017C>G (p.Leu673Val)

Gene: DIS3L2 (DIS3 like 3'-5' exoribonuclease 2; plus strand). Cytogenetic location: 2q37.1.
Variant type: single nucleotide variant.
Coding change: c.2017C>G on transcript NM_152383.5 (MANE Select); coding-DNA position 2017, C replaced by G.
Protein change: p.Leu673Val; replaces leucine 673 with valine.
Molecular consequence: missense variant. On other transcripts: non-coding transcript variant (2), intron variant (1).
Genome position (GRCh38, 1-based): chr2:232,333,846, C>G. VCF-style: chr2-232333846-C-G. GRCh37 (hg19) VCF-style: chr2-233198556-C-G.
Other names: c.1582-9499C>G (NM_001257281.2); short protein forms L673V.
Identifiers: ClinVar variation 1481837 (VCV001481837.8), dbSNP rs1202069699, ClinGen allele CA350977304.